The following is an entry in ClinVar:

NM_006662.3(SRCAP):c.1110A>G (p.Glu370=)

Gene: SRCAP (Snf2 related CREBBP activator protein; plus strand). Cytogenetic location: 16p11.2.
Variant type: single nucleotide variant.
Coding change: c.1110A>G on transcript NM_006662.3 (MANE Select); coding-DNA position 1110, A replaced by G.
Protein change: p.Glu370=; no amino-acid change (glutamic acid 370 retained).
Molecular consequence: synonymous variant.
Genome position (GRCh38, 1-based): chr16:30,710,104, A>G. VCF-style: chr16-30710104-A-G. GRCh37 (hg19) VCF-style: chr16-30721425-A-G.
Identifiers: ClinVar variation 1592718 (VCV001592718.21), dbSNP rs768219215, ClinGen allele CA8010820.

ClinVar aggregate classification (germline): Likely benign. Review status: criteria provided, multiple submitters, no conflicts (2 of 4 stars). 2 submissions from 2 submitters: Likely benign (2). Last evaluated 2025-01-01.

Allele frequency attached by ClinVar (database versions not stated): gnomAD exomes 0.00001 and 0.00003; gnomAD 0.00002; ExAC 0.00003; TOPMed 0.00005.
gnomAD v4.1: 21 of 1,613,884 alleles (0.0013%); highest among the groups gnomAD compares: Middle Eastern, 0.016%; no homozygotes.

Submissions (2):

CeGaT Center for Human Genetics Tuebingen
Classification: Likely benign. Last evaluated: 2025-01-01. Review status: criteria provided, single submitter. Criteria: CeGaT Center For Human Genetics Tuebingen Variant Classification Criteria Version 2. Collection method: clinical testing. Allele origin: germline. Affected: yes. Observed: 1 variant allele.
Comment: SRCAP: BP4, BP7

Labcorp Genetics (formerly Invitae), Labcorp
Classification: Likely benign. Last evaluated: 2024-05-09. Review status: criteria provided, single submitter. Criteria: Invitae Variant Classification Sherloc (09022015). Collection method: clinical testing. Allele origin: germline.